The following is an entry in ClinVar:

ClinVar aggregate classification (germline): Uncertain significance (1 of 4 stars; one submission).

Conditions:
Familial thoracic aortic aneurysm and aortic dissection (TAAD). Also called: Thoracic aortic aneurysms and dissections. Identifiers: Orphanet 91387, MedGen C4707243, MONDO:0019625.

Submission:

Labcorp Genetics (formerly Invitae), Labcorp
Classification: Uncertain significance for Familial thoracic aortic aneurysm and aortic dissection. Last evaluated: 2024-11-22. Review status: criteria provided, single submitter. Criteria: Invitae Variant Classification Sherloc (09022015). Collection method: clinical testing. Allele origin: germline.
Comment: This sequence change replaces serine, which is neutral and polar, with tyrosine, which is neutral and polar, at codon 331 of the MAT2A protein (p.Ser331Tyr). This variant is not present in population databases (gnomAD no frequency). This variant has not been reported in the literature in individuals affected with MAT2A-related conditions. Invitae Evidence Modeling of protein sequence and biophysical properties (such as structural, functional, and spatial information, amino acid conservation, physicochemical variation, residue mobility, and thermodynamic stability) indicates that this missense variant is not expected to disrupt MAT2A protein function with a negative predictive value of 80%. In summary, the available evidence is currently insufficient to determine the role of this variant in disease. Therefore, it has been classified as a Variant of Uncertain Significance.

NM_005911.6(MAT2A):c.992C>A (p.Ser331Tyr)

Genes: GGCX (gamma-glutamyl carboxylase; minus strand), MAT2A (methionine adenosyltransferase 2A; plus strand). Cytogenetic location: 2p11.2.
Variant type: single nucleotide variant.
Coding change: c.992C>A on transcript NM_005911.6 (MANE Select); coding-DNA position 992, C replaced by A.
Protein change: p.Ser331Tyr; replaces serine 331 with tyrosine.
Molecular consequence: missense variant.
Genome position (GRCh38, 1-based): chr2:85,542,941, C>A. VCF-style: chr2-85542941-C-A. GRCh37 (hg19) VCF-style: chr2-85770064-C-A.
Other names: short protein forms S331Y.
Identifiers: ClinVar variation 3713562 (VCV003713562.2).